The following is an entry in ClinVar:

ClinVar aggregate classification (germline): Uncertain significance (1 of 4 stars; one submission).

Conditions:
Hereditary cancer-predisposing syndrome. Also called: Neoplastic Syndromes, Hereditary; Hereditary Cancer Syndrome; Hereditary neoplastic syndrome; Tumor predisposition. Identifiers: Orphanet 140162, MedGen C0027672, MeSH D009386, MONDO:0015356.

Allele frequency attached by ClinVar (database versions not stated): gnomAD exomes below 0.00001.
gnomAD v4.1: 1 of 1,614,080 alleles (0.000062%); highest among the groups gnomAD compares: Non-Finnish European, 0.000085%; no homozygotes.

Submission:

Ambry Genetics
Classification: Uncertain significance for Hereditary cancer-predisposing syndrome. Last evaluated: 2023-05-25. Review status: criteria provided, single submitter. Criteria: Ambry Variant Classification Scheme 2023. Collection method: clinical testing. Allele origin: germline.
Comment: The p.D282H variant (also known as c.844G>C), located in coding exon 3 of the ALK gene, results from a G to C substitution at nucleotide position 844. The aspartic acid at codon 282 is replaced by histidine, an amino acid with similar properties. This amino acid position is conserved. In addition, this alteration is predicted to be tolerated by in silico analysis. Since supporting evidence is limited at this time, the clinical significance of this alteration remains unclear.

NM_004304.5(ALK):c.844G>C (p.Asp282His)

Gene: ALK (ALK receptor tyrosine kinase; minus strand). Cytogenetic location: 2p23.2.
Variant type: single nucleotide variant.
Coding change: c.844G>C on transcript NM_004304.5 (MANE Select); coding-DNA position 844, G replaced by C.
Protein change: p.Asp282His; replaces aspartic acid 282 with histidine.
Molecular consequence: missense variant.
Genome position (GRCh38, 1-based): chr2:29,694,958, C>G on the plus strand (G>C on the coding strand, the complement: ALK is on the minus strand). VCF-style: chr2-29694958-C-G. GRCh37 (hg19) VCF-style: chr2-29917824-C-G.
Other names: short protein forms D282H.
Identifiers: ClinVar variation 2562272 (VCV002562272.2), dbSNP rs1678510612, ClinGen allele CA346587029.
Genomic context (GRCh38, chr2:29,694,958, plus strand): 5'-CCATCTGGGAGGCCTCCTCGGAGGGGATGCGGCGCCAGGACCAGCTCTGGTTCCTGAGGT[C>G]ATGCAGTGGAGGGGAATACTCCAGCTCACAGGGGAAGTCAAAGCTGCACTCCAGACCTGC-3'
Protein context (NP_004295.2, residues 272-292): CELEYSPPLH[Asp282His]LRNQSWSWRR